The following is an entry in ClinVar:

ClinVar aggregate classification (germline): Pathogenic (1 of 4 stars; one submission).

Conditions:
Kabuki syndrome 1 (KABUK1). Also called: KMT2D-Related Kabuki Syndrome. Identifiers: Orphanet 2322, MedGen CN030661, MONDO:0007843, OMIM 147920.

Submission:

Baylor Genetics
Classification: Pathogenic for Kabuki syndrome 1. Last evaluated: 2018-08-01. Review status: criteria provided, single submitter. Criteria: ACMG Guidelines, 2015. Collection method: clinical testing. Allele origin: unknown. Affected: yes.
Comment: This variant was determined to be pathogenic according to ACMG Guidelines, 2015 [PMID:25741868].

NM_003482.4(KMT2D):c.204_205del (p.Leu68_Cys69insTer)

Gene: KMT2D (lysine methyltransferase 2D; minus strand). Cytogenetic location: 12q13.12.
Variant type: Microsatellite.
Coding change: c.204_205del on transcript NM_003482.4 (MANE Select); coding-DNA positions 204 to 205, 2 bases deleted (CT; older notation c.204_205delCT).
Protein change: p.Leu68_Cys69insTer.
Molecular consequence: frameshift variant.
Genome position (GRCh38, 1-based): chr12:49,054,723-49,054,724, AG deleted on the plus strand (CT on the coding strand, the reverse complement: KMT2D is on the minus strand); deleting any 2 consecutive bases within chr12:49,054,723-49,054,728 gives the same sequence; the c. name uses the placement nearest the transcript's 3' end. VCF-style (leftmost placement, unchanged base first): chr12-49054722-CAG-C. GRCh37 (hg19) VCF-style: chr12-49448505-CAG-C.
Identifiers: ClinVar variation 1033587 (VCV001033587.1), dbSNP rs1938301071, ClinGen allele CA2034937065.
Genomic context (GRCh38, chr12:49,054,722, plus strand): 5'-AATGGCAACTCAAAGCGCCGTAGCTCCCGCTGCCCGTGTAGACTGGGCTCCCCGCAGTTA[CAG>C]AGAGCACAACGCCGCACCGGACCCCCACTGTGGACACACAAGCATCAGTACCACGCCAGG-3'